The following is an entry in ClinVar:

ClinVar aggregate classification (germline): Likely benign (1 of 4 stars; one submission).

Submission:

CeGaT Center for Human Genetics Tuebingen
Classification: Likely benign. Last evaluated: 2023-04-01. Review status: criteria provided, single submitter. Criteria: CeGaT Center For Human Genetics Tuebingen Variant Classification Criteria Version 2. Collection method: clinical testing. Allele origin: germline. Affected: yes. Observed: 1 variant allele.
Comment: LRPPRC: BS2

NM_133259.4(LRPPRC):c.*1438_*1456dup

Gene: LRPPRC (leucine rich pentatricopeptide repeat containing; minus strand). Cytogenetic location: 2p21.
Variant type: Duplication.
Coding change: c.*1438_*1456dup on transcript NM_133259.4 (MANE Select); 1438 bases downstream of the stop codon through 1456 bases downstream of the stop codon, 19 bases duplicated (TTTTTTTTTTTTTTTTTTT).
Molecular consequence: 3 prime UTR variant.
Genome position (GRCh38, 1-based): chr2:43,887,144-43,887,162, AAAAAAAAAAAAAAAAAAA duplicated on the plus strand (TTTTTTTTTTTTTTTTTTT on the coding strand, the reverse complement: LRPPRC is on the minus strand); duplicating any 19 consecutive bases within chr2:43,887,144-43,887,164 gives the same sequence; the c. name uses the placement nearest the transcript's 3' end. VCF-style (leftmost placement, unchanged base first): chr2-43887143-C-CAAAAAAAAAAAAAAAAAAA. GRCh37 (hg19) VCF-style: chr2-44114282-C-CAAAAAAAAAAAAAAAAAAA.
Identifiers: ClinVar variation 2650862 (VCV002650862.24), dbSNP rs57494476, ClinGen allele CA769089899.